The following is an entry in ClinVar:

NM_001267550.2(TTN):c.48557G>A (p.Arg16186His)

Genes: TTN (titin; minus strand), TTN-AS1 (TTN antisense RNA 1; plus strand). Cytogenetic location: 2q31.2.
Variant type: single nucleotide variant.
Coding change: c.48557G>A on transcript NM_001267550.2 (MANE Select); coding-DNA position 48557, G replaced by A.
Protein change: p.Arg16186His; replaces arginine 16186 with histidine.
Molecular consequence: missense variant.
Genome position (GRCh38, 1-based): chr2:178,615,388, C>T on the plus strand (G>A on the coding strand, the complement: TTN is on the minus strand). VCF-style: chr2-178615388-C-T. GRCh37 (hg19) VCF-style: chr2-179480115-C-T.
Other names: p.Arg13618His; c.48557G>A (NM_001267550.1); c.43634G>A, p.Arg14545His (NM_001256850.1); c.21362G>A, p.Arg7121His (NM_003319.4); c.40853G>A, p.Arg13618His (NM_133378.4); c.21737G>A, p.Arg7246His (NM_133432.3); c.21938G>A, p.Arg7313His (NM_133437.4); short protein forms R16186H, R7313H, R13618H, R14545H, R7121H, R7246H.
Identifiers: ClinVar variation 535551 (VCV000535551.6), dbSNP rs769784536, ClinGen allele CA1994791.

ClinVar aggregate classification (germline): Uncertain significance. Review status: criteria provided, multiple submitters, no conflicts (2 of 4 stars). 3 submissions from 3 submitters: Uncertain significance (3). Last evaluated 2025-07-16.

Conditions:
Dilated cardiomyopathy 1G (CMD1G). Identifiers: Orphanet 154, MedGen C1858763, MONDO:0011400, OMIM 604145.
Autosomal recessive limb-girdle muscular dystrophy type 2J (LGMDR10). Also called: Limb-girdle muscular dystrophy, type 2J; MUSCULAR DYSTROPHY, LIMB-GIRDLE, AUTOSOMAL RECESSIVE 10. Identifiers: Orphanet 140922, MedGen C1837342, MONDO:0012127, OMIM 608807.

Allele frequency attached by ClinVar (database versions not stated): ExAC 0.00002.
gnomAD v4.1: 35 of 1,612,470 alleles (0.0022%); highest among the groups gnomAD compares: South Asian, 0.0088%; no homozygotes.

Submissions (3):

Mayo Clinic Laboratories, Mayo Clinic
Classification: Uncertain significance. Last evaluated: 2025-07-16. Review status: criteria provided, single submitter. Criteria: ACMG Guidelines, 2015. Collection method: clinical testing. Allele origin: germline. Observed: 1 variant allele.
Comment: BP4

GeneDx
Classification: Uncertain significance. Last evaluated: 2025-05-16. Review status: criteria provided, single submitter. Criteria: GeneDx Variant Classification Process June 2021. Collection method: clinical testing. Allele origin: germline.
Comment: Not observed at significant frequency in large population cohorts (gnomAD); Missense variant in a gene in which most reported pathogenic variants are truncating/loss of function; Has been reported in association with DCM (PMID: 31983221); This variant is associated with the following publications: (PMID: 29420653, 31983221)

Labcorp Genetics (formerly Invitae), Labcorp
Classification: Uncertain significance for Dilated cardiomyopathy 1G; Autosomal recessive limb-girdle muscular dystrophy type 2J. Last evaluated: 2017-10-16. Review status: criteria provided, single submitter. Criteria: Invitae Variant Classification Sherloc (09022015). Collection method: clinical testing. Allele origin: germline.